The following is an entry in ClinVar:

NM_013254.4(TBK1):c.739T>C (p.Ser247Pro)

Gene: TBK1 (TANK binding kinase 1; plus strand). Cytogenetic location: 12q14.2.
Variant type: single nucleotide variant.
Coding change: c.739T>C on transcript NM_013254.4 (MANE Select); coding-DNA position 739, T replaced by C.
Protein change: p.Ser247Pro; replaces serine 247 with proline.
Molecular consequence: missense variant.
Genome position (GRCh38, 1-based): chr12:64,480,049, T>C. VCF-style: chr12-64480049-T-C. GRCh37 (hg19) VCF-style: chr12-64873829-T-C.
Other names: short protein forms S247P.
Identifiers: ClinVar variation 3637634 (VCV003637634.2).
Genomic context (GRCh38, chr12:64,480,049, plus strand): 5'-ATTCTGCTTTTGTTCCTCCCAAGGTATAAAATAATTACAGGAAAGCCTTCTGGTGCAATA[T>C]CTGGAGTACAGAAAGCAGAAAATGGACCAATTGACTGGAGTGGAGACATGCCTGTTTCTT-3'
Protein context (NP_037386.1, residues 237-257): IITGKPSGAI[Ser247Pro]GVQKAENGPI

ClinVar aggregate classification (germline): Uncertain significance (1 of 4 stars; one submission).

Conditions:
Frontotemporal dementia and/or amyotrophic lateral sclerosis 4. Also called: FTDALS4. Identifiers: Orphanet 275872, MedGen C4225325, MONDO:0014641, OMIM 616439.

Submission:

Labcorp Genetics (formerly Invitae), Labcorp
Classification: Uncertain significance for Frontotemporal dementia and/or amyotrophic lateral sclerosis 4. Last evaluated: 2024-12-17. Review status: criteria provided, single submitter. Criteria: Invitae Variant Classification Sherloc (09022015). Collection method: clinical testing. Allele origin: germline.
Comment: This sequence change replaces serine, which is neutral and polar, with proline, which is neutral and non-polar, at codon 247 of the TBK1 protein (p.Ser247Pro). This variant is not present in population databases (gnomAD no frequency). This variant has not been reported in the literature in individuals affected with TBK1-related conditions. Invitae Evidence Modeling of protein sequence and biophysical properties (such as structural, functional, and spatial information, amino acid conservation, physicochemical variation, residue mobility, and thermodynamic stability) indicates that this missense variant is not expected to disrupt TBK1 protein function with a negative predictive value of 95%. In summary, the available evidence is currently insufficient to determine the role of this variant in disease. Therefore, it has been classified as a Variant of Uncertain Significance.